The following is an entry in ClinVar:

NM_001351132.2(PEX5):c.1273A>G (p.Thr425Ala)

Gene: PEX5 (peroxisomal biogenesis factor 5; plus strand). Cytogenetic location: 12p13.31.
Variant type: single nucleotide variant.
Coding change: c.1273A>G on transcript NM_001351132.2 (MANE Select); coding-DNA position 1273, A replaced by G.
Protein change: p.Thr425Ala; replaces threonine 425 with alanine.
Molecular consequence: missense variant.
Genome position (GRCh38, 1-based): chr12:7,208,548, A>G. VCF-style: chr12-7208548-A-G. GRCh37 (hg19) VCF-style: chr12-7361144-A-G.
Other names: c.1249A>G, p.Thr417Ala (NM_000319.5); c.1318A>G, p.Thr440Ala (NM_001131023.2); c.1162A>G, p.Thr388Ala (NM_001351127.2, NM_001351128.2, NM_001351130.3 and 7 more transcripts); c.1273A>G, p.Thr425Ala (NM_001351131.2, NM_001351133.2, NM_001351134.2 and 4 more transcripts); c.1207A>G, p.Thr403Ala (NM_001351135.3, NM_001351138.2); c.1264A>G, p.Thr422Ala (NM_001351136.2); c.1138A>G, p.Thr380Ala (NM_001351139.2, NM_001351140.2, NM_001374649.2); short protein forms T380A, T388A, T403A, T417A, T422A, T425A, T440A.
Identifiers: ClinVar variation 1061195 (VCV001061195.6), dbSNP rs141202824, ClinGen allele CA232475836.

ClinVar aggregate classification (germline): Uncertain significance (1 of 4 stars; one submission).

Conditions:
Peroxisome biogenesis disorder 2B (PBD2B). Identifiers: Orphanet 44, MedGen C3550234, MONDO:0008736, OMIM 202370.

Allele frequency attached by ClinVar (database versions not stated): gnomAD exomes below 0.00001; TOPMed 0.00003; gnomAD 0.00005; ESP Exome Variant Server 0.00008.
gnomAD v4.1: 13 of 1,613,892 alleles (0.00081%); highest among the groups gnomAD compares: African/African-American, 0.017%; 1 homozygote.

Submission:

Labcorp Genetics (formerly Invitae), Labcorp
Classification: Uncertain significance for Peroxisome biogenesis disorder 2B. Last evaluated: 2021-08-27. Review status: criteria provided, single submitter. Criteria: Invitae Variant Classification Sherloc (09022015). Collection method: clinical testing. Allele origin: germline.
Comment: This sequence change replaces threonine with alanine at codon 425 of the PEX5 protein (p.Thr425Ala). The threonine residue is moderately conserved and there is a small physicochemical difference between threonine and alanine. This variant is not present in population databases (ExAC no frequency). This variant has not been reported in the literature in individuals affected with PEX5-related conditions. Algorithms developed to predict the effect of missense changes on protein structure and function (SIFT, PolyPhen-2, Align-GVGD) all suggest that this variant is likely to be tolerated. In summary, the available evidence is currently insufficient to determine the role of this variant in disease. Therefore, it has been classified as a Variant of Uncertain Significance.